The following is an entry in ClinVar:

NM_000352.6(ABCC8):c.1254_1284dup (p.Met429Ter)

Gene: ABCC8 (ATP binding cassette subfamily C member 8; minus strand). Cytogenetic location: 11p15.1.
Variant type: Duplication.
Coding change: c.1254_1284dup on transcript NM_000352.6 (MANE Select); coding-DNA positions 1254 to 1284, 31 bases duplicated.
Protein change: p.Met429Ter; replaces methionine 429 with a stop codon.
Molecular consequence: nonsense. On other transcripts: non-coding transcript variant (1).
Genome position (GRCh38, 1-based): chr11:17,448,564-17,448,594, 31 bases duplicated. GRCh37 (hg19): chr11:17,470,111-17,470,141.
Other names: NM_000352.6(ABCC8):c.1254_1284dup; p.Met429Ter; c.1254_1284dup31 (NM_000352.4); c.1254_1284dup, p.Met429Ter (NM_001287174.3, NM_001351295.2); c.1251_1281dup, p.Met428Ter (NM_001351296.2, NM_001351297.2); c.1254_1284dupTAATCTGGTTGCCATCGACACCAATCAGCTC (NM_000352.4); short protein forms M429*, M428*.
Identifiers: ClinVar variation 434055 (VCV000434055.21), dbSNP rs768951263, ClinGen allele CA5903626.
Genomic context (GRCh38, chr11:17,448,563, plus strand): 5'-GCCCATCTAGTACCTGTACTGGCATAGCCCAGAGGTTTGGGCACAAGAAGAAAAACCACA[T>TGAGCTGATTGGTGTCGATGGCAACCAGATTA]GAGCTGATTGGTGTCGATGGCAACCAGATTACAGATCTGTCCAGCAGTCATTTCTCCCAT-3'

ClinVar aggregate classification (germline): Pathogenic. Review status: criteria provided, multiple submitters, no conflicts (2 of 4 stars). 7 submissions from 7 submitters: Pathogenic (7). Last evaluated 2025-06-23.

Conditions:
Type 2 diabetes mellitus. Also called: Type II diabetes mellitus. Identifiers: MedGen C0011860, MeSH D003924, MONDO:0005148, OMIM 125853, HP:0005978.
Hereditary hyperinsulinism.
Diabetes mellitus, permanent neonatal 3. Also called: ABCC8-Related Permanent Neonatal Diabetes Mellitus. Identifiers: MedGen C5394303, MONDO:0030088, OMIM 618857.
Hyperinsulinemic hypoglycemia, familial, 1 (HHF1). Also called: Persistent hyperinsulinemic hypoglycemia of infancy; Persistent Hyperinsulinemia Hypoglycemia of Infancy; HYPERINSULINISM, FAMILIAL, WITH PANCREATIC NESIDIOBLASTOSIS; HYPOGLYCEMIA, HYPERINSULINEMIC, OF INFANCY; NESIDIOBLASTOSIS OF PANCREAS. Identifiers: Orphanet 276575, Orphanet 276598, MedGen C2931832, MONDO:0009734, OMIM 256450.
Leucine-induced hypoglycemia (LIH). Also called: LEUCINE-SENSITIVE HYPOGLYCEMIA OF INFANCY. Identifiers: MedGen C0271714, MONDO:0009415, OMIM 240800.
Diabetes mellitus, transient neonatal, 2 (TNDM2). Identifiers: Orphanet 99886, MedGen C1835887, MONDO:0012480, OMIM 610374. Disease mechanism: loss of function.
Familial hyperinsulinism. Also called: Congenital hyperinsulinism. Identifiers: Orphanet 276525, MedGen C3888018, MONDO:0017182. Disease mechanism: loss of function.

Allele frequency attached by ClinVar (database versions not stated): ExAC 0.00001; gnomAD 0.00001; gnomAD exomes 0.00001 and 0.00002.

Submissions (7):

Natera, Inc.
Classification: Pathogenic for Hereditary hyperinsulinism. Last evaluated: 2025-06-23. Review status: criteria provided, single submitter. Criteria: Natera Variant Classification Schema (03/2026). Collection method: clinical testing. Allele origin: germline.
Comment: The c.1254_1284dupTAATCTGGTTGCCATCGACACCAATCAGCTC variant in ABCC8 is a frameshift variant predicted to shift the reading frame and introduce a stop codon. This variant is expected to result in nonsense mediated decay, truncation, or a dysfunctional protein product. This variant is rare in the general population with a frequency below the threshold expected for the associated phenotype(s). This variant has been observed in one or more individuals affected with the associated recessive disease, as either homozygous or compound heterozygous with a second variant (PMID: 23345197). Given the available evidence, this variant is classified as Pathogenic.

Fulgent Genetics
Classification: Pathogenic for Type 2 diabetes mellitus; Leucine-induced hypoglycemia; Hyperinsulinemic hypoglycemia, familial, 1; Diabetes mellitus, transient neonatal, 2; Diabetes mellitus, permanent neonatal 3. Last evaluated: 2024-04-18. Review status: criteria provided, single submitter. Criteria: ACMG Guidelines, 2015. Collection method: clinical testing. Allele origin: germline.

Labcorp Genetics (formerly Invitae), Labcorp
Classification: Pathogenic. Last evaluated: 2024-01-14. Review status: criteria provided, single submitter. Criteria: Invitae Variant Classification Sherloc (09022015). Collection method: clinical testing. Allele origin: germline.
Comment: This sequence change creates a premature translational stop signal (p.Met429*) in the ABCC8 gene. It is expected to result in an absent or disrupted protein product. Loss-of-function variants in ABCC8 are known to be pathogenic (PMID: 20685672, 23345197). This variant is present in population databases (rs768951263, gnomAD 0.004%). This premature translational stop signal has been observed in individual(s) with autosomal recessive diffuse or paternally inherited focal hyperinsulinism (PMID: 25201519). ClinVar contains an entry for this variant (Variation ID: 434055). For these reasons, this variant has been classified as Pathogenic.

Baylor Genetics
Classification: Pathogenic for Type 2 diabetes mellitus. Last evaluated: 2023-12-05. Review status: criteria provided, single submitter. Criteria: ACMG Guidelines, 2015. Collection method: clinical testing. Allele origin: unknown.

Broad Center for Mendelian Genomics, Broad Institute of MIT and Harvard
Classification: Pathogenic for Hyperinsulinemic hypoglycemia, familial, 1. Last evaluated: 2023-08-16. Review status: criteria provided, single submitter. Criteria: ACMG Guidelines, 2015. Collection method: curation. Allele origin: germline. Inheritance: Autosomal recessive inheritance.
Comment: The Met429Ter variant in ABCC8 has been reported in at least 5 individuals with congenital hyperinsulinism (PMID: 25201519, 23345197, 23275527), and has been identified in 0.004% (4/113754) of European (non-Finnish) chromosomes by the Genome Aggregation Database (gnomAD; dbSNP rs768951263). Although this variant has been seen in the general population in a heterozygous state, its frequency is low enough to be consistent with a recessive carrier frequency. This variant has also been reported in ClinVar (VariationID: 434056) as pathogenic by Invitae, Genetic Services Laboratory (University of Chicago), Women's Health and Genetics/Laboratory Corporation of America (LabCorp), and Natera Inc. Of the 5 affected individuals, at least 1 was a compound heterozygote that carried a reported pathogenic variant in trans, which increases the likelihood that the Met429Ter variant is pathogenic (Variation ID: 370604; PMID: 23275527). This variant is predicted to cause a frameshift, which alters the protein’s amino acid sequence beginning at position 429 and leads to a premature termination codon 1 amino acid downstream. This alteration is then predicted to lead to a truncated or absent protein. Loss of function of the ABCC8 gene is an established disease mechanism in autosomal recessive hyperinsulinemic hypoglycemia. In summary, this variant meets criteria to be classified as pathogenic for autosomal recessive hyperinsulinemic hypoglycemia. ACMG/AMP Criteria applied: PVS1, PM3, PM2_supporting (Richards 2015).

Women's Health and Genetics/Laboratory Corporation of America, LabCorp
Classification: Pathogenic for Familial hyperinsulinism. Last evaluated: 2022-10-27. Review status: criteria provided, single submitter. Criteria: LabCorp Variant Classification Summary - May 2015. Collection method: clinical testing. Allele origin: germline.
Comment: Variant summary: ABCC8 c.1254_1284dup31 (p.Met429X) results in a premature termination codon, predicted to cause a truncation of the encoded protein or absence of the protein due to nonsense mediated decay, which are commonly known mechanisms for disease. Truncations downstream of this position have been classified as pathogenic by our laboratory. The variant allele was found at a frequency of 1.6e-05 in 251476 control chromosomes (gnomAD). c.1254_1284dup31 has been reported in the literature in multiple individuals affected with Congenital Hyperinsulinism (Banerjee_2011, Kapoor_2013, Snider_2013, Arya_2014, Demirbilek_2014). These data indicate that the variant is likely to be associated with disease. To our knowledge, no experimental evidence demonstrating an impact on protein function has been reported. Three ClinVar submitters have assessed the variant since 2014: all three classified the variant as pathogenic. Based on the evidence outlined above, the variant was classified as pathogenic.

Genetic Services Laboratory, University of Chicago
Classification: Pathogenic for Hyperinsulinemic hypoglycemia, familial, 1. Last evaluated: 2016-03-01. Review status: criteria provided, single submitter. Criteria: ACMG Guidelines, 2015. Collection method: clinical testing. Allele origin: germline. Affected: yes.

Literature cited by the submitters: PubMed 23345197 (cited by 3 submitters); PubMed 20685672 (cited by Labcorp Genetics (formerly Invitae), Labcorp); PubMed 25201519 (cited by Labcorp Genetics (formerly Invitae), Labcorp and Women's Health and Genetics/Laboratory Corporation of America, LabCorp); PubMed 21378087 (cited by Women's Health and Genetics/Laboratory Corporation of America, LabCorp); PubMed 23275527 (cited by Women's Health and Genetics/Laboratory Corporation of America, LabCorp); PubMed 24937539 (cited by Women's Health and Genetics/Laboratory Corporation of America, LabCorp).